The following is an entry in ClinVar:

ClinVar aggregate classification (germline): Uncertain significance (1 of 4 stars; one submission).

gnomAD v4.1: 1 of 1,613,050 alleles (0.000062%); highest among the groups gnomAD compares: Non-Finnish European, 0.000085%; no homozygotes.

Submission:

GeneDx
Classification: Uncertain significance. Last evaluated: 2024-12-26. Review status: criteria provided, single submitter. Criteria: GeneDx Variant Classification Process June 2021. Collection method: clinical testing. Allele origin: germline. Affected: yes.
Comment: Not observed at significant frequency in large population cohorts (gnomAD); In silico analysis supports that this missense variant has a deleterious effect on protein structure/function; Has not been previously published as pathogenic or benign to our knowledge

NM_015015.3(KDM4B):c.964G>A (p.Val322Met)

Gene: KDM4B (lysine demethylase 4B; plus strand). Cytogenetic location: 19p13.3.
Variant type: single nucleotide variant.
Coding change: c.964G>A on transcript NM_015015.3 (MANE Select); coding-DNA position 964, G replaced by A.
Protein change: p.Val322Met; replaces valine 322 with methionine.
Molecular consequence: missense variant.
Genome position (GRCh38, 1-based): chr19:5,110,667, G>A. VCF-style: chr19-5110667-G-A. GRCh37 (hg19) VCF-style: chr19-5110678-G-A.
Other names: c.964G>A, p.Val322Met (NM_001370093.1, NM_001370094.1, NM_001411148.1); short protein forms V322M.
Identifiers: ClinVar variation 3908010 (VCV003908010.1).